The following is an entry in ClinVar:

NM_004006.3(DMD):c.7241_7243delinsGTTT (p.Asn2414fs)

Gene: DMD (dystrophin; minus strand). Cytogenetic location: Xp21.1.
Variant type: Indel.
Coding change: c.7241_7243delinsGTTT on transcript NM_004006.3 (MANE Select); coding-DNA positions 7241 to 7243, ACC replaced by GTTT.
Protein change: p.Asn2414fs; shifts the reading frame from asparagine 2414.
Molecular consequence: frameshift variant. On other transcripts: 5 prime UTR variant (5).
Genome position (GRCh38, 1-based): chrX:31,820,041-31,820,043, GGT replaced by AAAC on the plus strand (ACC replaced by GTTT on the coding strand, the reverse complement: DMD is on the minus strand). VCF-style: chrX-31820041-GGT-AAAC. GRCh37 (hg19) VCF-style: chrX-31838158-GGT-AAAC.
Other names: c.7217_7219delinsGTTT, p.Asn2406fs (NM_000109.4); c.7229_7231delinsGTTT, p.Asn2410fs (NM_004009.3); c.6872_6874delinsGTTT, p.Asn2291fs (NM_004010.3); c.3218_3220delinsGTTT, p.Asn1073fs (NM_004011.4); c.3209_3211delinsGTTT, p.Asn1070fs (NM_004012.4); c.-140_-138delinsGTTT (NM_004013.3, NM_004020.4, NM_004021.3 and 2 more transcripts); short protein forms N1073fs, N2410fs, N2291fs, N2406fs, N1070fs, N2414fs.
Identifiers: ClinVar variation 409912 (VCV000409912.5), dbSNP rs1064792967, ClinGen allele CA16616492.

ClinVar aggregate classification (germline): Pathogenic (1 of 4 stars; one submission).

Conditions:
Duchenne muscular dystrophy (DMD). Also called: MUSCULAR DYSTROPHY, PSEUDOHYPERTROPHIC PROGRESSIVE, DUCHENNE TYPE; Duchenne Muscular Dystrophy (DMD). Identifiers: Orphanet 98896, MedGen C0013264, MONDO:0010679, OMIM 310200.

Submission:

Labcorp Genetics (formerly Invitae), Labcorp
Classification: Pathogenic for Duchenne muscular dystrophy. Last evaluated: 2016-10-26. Review status: criteria provided, single submitter. Criteria: Invitae Variant Classification Sherloc (09022015). Collection method: clinical testing. Allele origin: germline.
Comment: For these reasons, this variant has been classified as Pathogenic. While this particular variant has not been reported in the literature, loss-of-function variants in DMD are known to be pathogenic (PMID: 16770791). This sequence change deletes 3 nucleotides and inserts 4 nucleotides in exon 50 of the DMD mRNA (c.7241_7243delinsGTTT), causing a frameshift at codon 2414. This creates a premature translational stop signal (p.Asn2414Serfs*13) and is expected to result in an absent or disrupted protein product.

Literature cited by the submitters: PubMed 16770791.